The following is an entry in ClinVar:

ClinVar aggregate classification (germline): Uncertain significance. Review status: criteria provided, multiple submitters, no conflicts (2 of 4 stars). 2 submissions from 2 submitters: Uncertain significance (2). Last evaluated 2025-12-17.

Conditions:
Autosomal dominant polycystic kidney disease. Identifiers: Orphanet 730, MedGen C0085413, MONDO:0004691.

Submissions (2):

Labcorp Genetics (formerly Invitae), Labcorp
Classification: Uncertain significance for Autosomal dominant polycystic kidney disease. Last evaluated: 2025-12-17. Review status: criteria provided, single submitter. Criteria: Invitae Variant Classification Sherloc (09022015). Collection method: clinical testing. Allele origin: germline.
Comment: This variant, c.302_307del, results in the deletion of 2 amino acid(s) of the PKD2 protein (p.Glu101_Glu102del), but otherwise preserves the integrity of the reading frame. The frequency data for this variant in the population databases is considered unreliable, as metrics indicate poor data quality at this position in the gnomAD database. This variant has not been reported in the literature in individuals affected with PKD2-related conditions. ClinVar contains an entry for this variant (Variation ID: 1314508). Experimental studies and prediction algorithms are not available or were not evaluated, and the functional significance of this variant is currently unknown. In summary, the available evidence is currently insufficient to determine the role of this variant in disease. Therefore, it has been classified as a Variant of Uncertain Significance.

GeneDx
Classification: Uncertain significance. Last evaluated: 2025-11-12. Review status: criteria provided, single submitter. Criteria: GeneDx Variant Classification Process June 2021. Collection method: clinical testing. Allele origin: germline. Affected: yes.
Comment: Not observed at significant frequency in large population cohorts (gnomAD); In-frame deletion of 2 amino acids in a non-repeat region; In silico analysis supports that this variant does not alter protein structure/function; Has not been previously published as pathogenic or benign to our knowledge

NM_000297.4(PKD2):c.290AGG[4] (p.Glu101_Glu102del)

Genes: PKD2 (polycystin 2, transient receptor potential cation channel; plus strand), LOC129992813 (ATAC-STARR-seq lymphoblastoid silent region 15559; plus strand). Cytogenetic location: 4q22.1.
Variant type: Microsatellite.
Coding change: c.290AGG[4] on transcript NM_000297.4 (MANE Select); four copies in a row of the 3-base unit AGG starting at c.290; the reference has six copies in a row; two copies, 6 bases deleted.
Protein change: p.Glu101_Glu102del.
Molecular consequence: inframe deletion. On other transcripts: non-coding transcript variant (1).
Genome position (GRCh38, 1-based): chr4:88,008,035-88,008,040, AGGAGG deleted; deleting any 6 consecutive bases within chr4:88,008,022-88,008,040 gives the same sequence; the position shown is the placement nearest the transcript's 3' end. VCF-style (leftmost placement, unchanged base first): chr4-88008021-CGAGGAG-C. GRCh37 (hg19) VCF-style: chr4-88929173-CGAGGAG-C.
Identifiers: ClinVar variation 1314508 (VCV001314508.4), dbSNP rs750077647, ClinGen allele CA553085853.